The following is an entry in ClinVar:

NM_001042492.3(NF1):c.3315-2A>T

Gene: NF1 (neurofibromin 1; plus strand). Cytogenetic location: 17q11.2.
Variant type: single nucleotide variant.
Coding change: c.3315-2A>T on transcript NM_001042492.3 (MANE Select); the canonical splice acceptor site of the intron before coding-DNA position 3315, A replaced by T.
Molecular consequence: splice acceptor variant.
Genome position (GRCh38, 1-based): chr17:31,232,698, A>T. VCF-style: chr17-31232698-A-T. GRCh37 (hg19) VCF-style: chr17-29559716-A-T.
Other names: c.3315-2A>T (NM_000267.4).
Identifiers: ClinVar variation 4823930 (VCV004823930.2).

ClinVar aggregate classification (germline): Pathogenic/Likely pathogenic. Review status: criteria provided, multiple submitters, no conflicts (2 of 4 stars). 2 submissions from 2 submitters: Pathogenic (1); Likely pathogenic (1). Last evaluated 2026-04-01.

Conditions:
Neurofibromatosis, type 1 (NF1). Also called: VON RECKLINGHAUSEN DISEASE; NEUROFIBROMATOSIS, TYPE I, SOMATIC; Peripheral type neurofibromatosis; Neurofibromatosis, type I. Identifiers: Orphanet 636, MedGen C0027831, MONDO:0018975, OMIM 162200. Disease mechanism: loss of function.

Submissions (2):

Department of Genetics, Sultan Qaboos University Hospital
Classification: Likely pathogenic for Neurofibromatosis, type 1. Last evaluated: 2026-04-01. Review status: criteria provided, single submitter. Criteria: ACMG Guidelines, 2015. Collection method: clinical testing. Allele origin: germline. Affected: yes. Observed: 1 variant allele.
Comment: PVS1 ,PM2

GeneDx
Classification: Pathogenic. Last evaluated: 2026-02-05. Review status: criteria provided, single submitter. Criteria: GeneDx Variant Classification Process June 2021. Collection method: clinical testing. Allele origin: germline.
Comment: Canonical splice site variant predicted to result in a null allele in a gene for which loss of function is a known mechanism of disease; Not observed at significant frequency in large population cohorts (gnomAD); This variant is associated with the following publications: (PMID: 39725732)